The following is an entry in ClinVar:

NM_019109.5(ALG1):c.800G>A (p.Ser267Asn)

Gene: ALG1 (ALG1 chitobiosyldiphosphodolichol beta-mannosyltransferase; plus strand). Cytogenetic location: 16p13.3.
Variant type: single nucleotide variant.
Coding change: c.800G>A on transcript NM_019109.5 (MANE Select); coding-DNA position 800, G replaced by A.
Protein change: p.Ser267Asn; replaces serine 267 with asparagine.
Molecular consequence: missense variant.
Genome position (GRCh38, 1-based): chr16:5,078,816, G>A. VCF-style: chr16-5078816-G-A. GRCh37 (hg19) VCF-style: chr16-5128817-G-A.
Other names: c.467G>A, p.Ser156Asn (NM_001330504.2); short protein forms S156N.
Identifiers: ClinVar variation 166669 (VCV000166669.18), dbSNP rs17849848, ClinGen allele CA179724.

ClinVar aggregate classification (germline): Benign/Likely benign. Review status: criteria provided, multiple submitters, no conflicts (2 of 4 stars). 9 submissions from 9 submitters: Benign (6); Likely benign (3). Last evaluated 2026-02-04.

Conditions:
Kabuki syndrome 1 (KABUK1). Also called: KMT2D-Related Kabuki Syndrome. Identifiers: Orphanet 2322, MedGen CN030661, MONDO:0007843, OMIM 147920.
ALG1-congenital disorder of glycosylation. Also called: CDG Ik; CONGENITAL DISORDER OF GLYCOSYLATION, TYPE Ik; ALG1-CDG. Identifiers: Orphanet 79327, MedGen C2931005, MONDO:0012052, OMIM 608540.

Allele frequency attached by ClinVar (database versions not stated): ExAC 0.09174; 1000 Genomes Project 30x 0.07261; gnomAD exomes 0.08206 and 0.09857; gnomAD 0.06978 and 0.06910; TOPMed 0.07617; ESP Exome Variant Server 0.06105; 1000 Genomes Project 0.07268.
gnomAD v4.1: 130,115 of 1,612,546 alleles (8.1%); highest among the groups gnomAD compares: Admixed American, 21%; 6,400 homozygotes.

Submissions (9):

Labcorp Genetics (formerly Invitae), Labcorp
Classification: Benign for ALG1-congenital disorder of glycosylation. Last evaluated: 2026-02-04. Review status: criteria provided, single submitter. Criteria: Invitae Variant Classification Sherloc (09022015). Collection method: clinical testing. Allele origin: germline.

Mayo Clinic Laboratories, Mayo Clinic
Classification: Benign. Last evaluated: 2022-11-15. Review status: criteria provided, single submitter. Criteria: ACMG Guidelines, 2015. Collection method: clinical testing. Allele origin: germline. Observed: 63 variant alleles.
Comment: BA1, BP4

Women's Health and Genetics/Laboratory Corporation of America, LabCorp
Classification: Likely benign. Last evaluated: 2021-12-10. Review status: criteria provided, single submitter. Criteria: LabCorp Variant Classification Summary - May 2015. Collection method: clinical testing. Allele origin: germline.

Eurofins Ntd Llc (ga)
Classification: Benign. Last evaluated: 2018-02-06. Review status: criteria provided, single submitter. Criteria: EGL Classification Definitions 2015. Collection method: clinical testing. Allele origin: germline. Observed: 17 variant alleles, 15 heterozygotes, 2 homozygotes.

Clinical Genetics DNA and cytogenetics Diagnostics Lab, Erasmus MC, Erasmus Medical Center
Classification: Benign for ALG1-congenital disorder of glycosylation. Last evaluated: 2017-05-31. Review status: criteria provided, single submitter. Criteria: ACGS Guidelines, 2013. Collection method: clinical testing. Allele origin: germline. Affected: yes. Study: VKGL Data-share Consensus.

GeneDx
Classification: Benign. Last evaluated: 2015-12-14. Review status: criteria provided, single submitter. Criteria: GeneDx Variant Classification (06012015). Collection method: clinical testing. Allele origin: germline. Affected: yes.
Comment: This variant is considered likely benign or benign based on one or more of the following criteria: it is a conservative change, it occurs at a poorly conserved position in the protein, it is predicted to be benign by multiple in silico algorithms, and/or has population frequency not consistent with disease.

Genome Diagnostics Laboratory, University Medical Center Utrecht
Classification: Likely benign for ALG1-congenital disorder of glycosylation. Last evaluated: 2015-01-07. Review status: criteria provided, single submitter. Criteria: ACGS Guidelines, 2013. Collection method: clinical testing. Allele origin: germline. Affected: yes. Study: VKGL Data-share Consensus.

Breakthrough Genomics
Classification: Likely benign. Review status: criteria provided, single submitter. Criteria: ACMG Guidelines, 2015. Collection method: not provided. Allele origin: germline. Inheritance: Autosomal recessive inheritance. Affected: yes.

Broad Center for Mendelian Genomics, Broad Institute of MIT and Harvard
Classification: Benign for Kabuki syndrome 1. Review status: criteria provided, single submitter. Criteria: ACMG Guidelines, 2015. Collection method: research. Allele origin: germline. Inheritance: Autosomal recessive inheritance. Affected: yes.
Comment: The p.Ser267Asn variant in ALG1 has been identified in 1 individual with congenital disorder of glycosylation (PMID: 23806237). However, this variant is classified as benign for autosomal recessive congenital disorder of glycosylation because it has been identified in >25% of Latino chromosomes by ExAC.